The following is an entry in ClinVar:

ClinVar aggregate classification (germline): Likely benign. Review status: criteria provided, multiple submitters, no conflicts (2 of 4 stars). 2 submissions from 2 submitters: Likely benign (2). Last evaluated 2025-08-21.

Conditions:
COG1 congenital disorder of glycosylation (CDG2G). Also called: CONGENITAL DISORDER OF GLYCOSYLATION, TYPE IIg; CDG IIg; CDGII/COG1 CEREBROCOSTOMANDIBULAR-LIKE SYNDROME. Identifiers: Orphanet 263508, MedGen C2931011, MONDO:0012637, OMIM 611209.

Allele frequency attached by ClinVar (database versions not stated): gnomAD exomes 0.00012 and 0.00031; ExAC 0.00032; TOPMed 0.00039; 1000 Genomes Project 0.00040; gnomAD 0.00040 and 0.00046; ESP Exome Variant Server 0.00046; 1000 Genomes Project 30x 0.00047.
gnomAD v4.1: 244 of 1,614,160 alleles (0.015%); highest among the groups gnomAD compares: African/African-American, 0.13%; 1 homozygote.

Submissions (2):

Labcorp Genetics (formerly Invitae), Labcorp
Classification: Likely benign for COG1 congenital disorder of glycosylation. Last evaluated: 2025-08-21. Review status: criteria provided, single submitter. Criteria: Invitae Variant Classification Sherloc (09022015). Collection method: clinical testing. Allele origin: germline.

CeGaT Center for Human Genetics Tuebingen
Classification: Likely benign. Last evaluated: 2024-08-01. Review status: criteria provided, single submitter. Criteria: CeGaT Center For Human Genetics Tuebingen Variant Classification Criteria Version 2. Collection method: clinical testing. Allele origin: germline. Affected: yes. Observed: 1 variant allele.
Comment: COG1: BP4, BP7

NM_018714.3(COG1):c.2418G>A (p.Ala806=)

Gene: COG1 (component of oligomeric golgi complex 1; plus strand). Cytogenetic location: 17q25.1.
Variant type: single nucleotide variant.
Coding change: c.2418G>A on transcript NM_018714.3 (MANE Select); coding-DNA position 2418, G replaced by A.
Protein change: p.Ala806=; no amino-acid change (alanine 806 retained).
Molecular consequence: synonymous variant.
Genome position (GRCh38, 1-based): chr17:73,205,588, G>A. VCF-style: chr17-73205588-G-A. GRCh37 (hg19) VCF-style: chr17-71201727-G-A.
Identifiers: ClinVar variation 752009 (VCV000752009.24), dbSNP rs141305065, ClinGen allele CA8740471.